The following is an entry in ClinVar:

NM_001378418.1(TCF20):c.2932T>G (p.Tyr978Asp)

Gene: TCF20 (transcription factor 20; minus strand). Cytogenetic location: 22q13.2.
Variant type: single nucleotide variant.
Coding change: c.2932T>G on transcript NM_001378418.1 (MANE Select); coding-DNA position 2932, T replaced by G.
Protein change: p.Tyr978Asp; replaces tyrosine 978 with aspartic acid.
Molecular consequence: missense variant.
Genome position (GRCh38, 1-based): chr22:42,212,374, A>C on the plus strand (T>G on the coding strand, the complement: TCF20 is on the minus strand). VCF-style: chr22-42212374-A-C. GRCh37 (hg19) VCF-style: chr22-42608380-A-C.
Other names: c.2932T>G, p.Tyr978Asp (NM_005650.4, NM_181492.3); short protein forms Y978D.
Identifiers: ClinVar variation 4688641 (VCV004688641.1).

ClinVar aggregate classification (germline): Uncertain significance (1 of 4 stars; one submission).

gnomAD v4.1: 2 of 1,614,206 alleles (0.00012%); highest among the groups gnomAD compares: Non-Finnish European, 0.00017%; no homozygotes.

Submission:

Women's Health and Genetics/Laboratory Corporation of America, LabCorp
Classification: Uncertain significance. Last evaluated: 2025-12-02. Review status: criteria provided, single submitter. Criteria: LabCorp Variant Classification Summary - May 2015. Collection method: clinical testing. Allele origin: germline.
Comment: Variant summary: TCF20 c.2932T>G (p.Tyr978Asp) results in a non-conservative amino acid change in the encoded protein sequence. Algorithms developed to predict the effect of missense changes on protein structure and function are either unavailable or do not agree on the potential impact of this missense change. The variant was absent in 251482 control chromosomes (gnomAD). The available data on variant occurrences in the general population are insufficient to allow any conclusion about variant significance. To our knowledge, no occurrence of c.2932T>G in individuals affected with TCF20-related conditions and no experimental evidence demonstrating its impact on protein function have been reported. No submitters have cited clinical-significance assessments for this variant to ClinVar. Based on the evidence outlined above, the variant was classified as uncertain significance.